The following is an entry in ClinVar:

NM_000018.4(ACADVL):c.139-2A>T

Gene: ACADVL (acyl-CoA dehydrogenase very long chain; plus strand). Cytogenetic location: 17p13.1.
Variant type: single nucleotide variant.
Coding change: c.139-2A>T on transcript NM_000018.4 (MANE Select); the canonical splice acceptor site of the intron before coding-DNA position 139, A replaced by T.
Molecular consequence: splice acceptor variant. On other transcripts: intron variant (1).
Genome position (GRCh38, 1-based): chr17:7,220,462, A>T. VCF-style: chr17-7220462-A-T. GRCh37 (hg19) VCF-style: chr17-7123781-A-T.
Other names: c.208-2A>T (NM_001270447.2); c.-90-2A>T (NM_001270448.2); c.139-142A>T (NM_001033859.3).
Identifiers: ClinVar variation 2184453 (VCV002184453.4), dbSNP rs2508247269, ClinGen allele CA397722167.
Genomic context (GRCh38, chr17:7,220,462, plus strand): 5'-TGTTCTCCCCTTGACACAGCGGAAGTCCCTTCCCTGAACTTGCTAACCGTCTCTTTTCCC[A>T]GCTGGCTCTGGACAAGTCAGATTCCCACCCCTCTGACGCTCTGACCAGGAAAAAACCGGC-3'

ClinVar aggregate classification (germline): Likely pathogenic (1 of 4 stars; one submission).

Conditions:
Very long chain acyl-CoA dehydrogenase deficiency (ACADVLD). Also called: Very Long-Chain Acyl-Coenzyme A Dehydrogenase Deficiency; VLCAD Deficiency. Identifiers: Orphanet 26793, MedGen C3887523, MONDO:0008723, OMIM 201475.

Submission:

Labcorp Genetics (formerly Invitae), Labcorp
Classification: Likely pathogenic for Very long chain acyl-CoA dehydrogenase deficiency. Last evaluated: 2022-08-21. Review status: criteria provided, single submitter. Criteria: Invitae Variant Classification Sherloc (09022015). Collection method: clinical testing. Allele origin: germline.
Comment: In summary, the currently available evidence indicates that the variant is pathogenic, but additional data are needed to prove that conclusively. Therefore, this variant has been classified as Likely Pathogenic. Algorithms developed to predict the effect of sequence changes on RNA splicing suggest that this variant may disrupt the consensus splice site. This variant has not been reported in the literature in individuals affected with ACADVL-related conditions. This variant is not present in population databases (gnomAD no frequency). This sequence change affects an acceptor splice site in intron 2 of the ACADVL gene. It is expected to disrupt RNA splicing. Variants that disrupt the donor or acceptor splice site typically lead to a loss of protein function (PMID: 16199547), and loss-of-function variants in ACADVL are known to be pathogenic (PMID: 9973285, 11590124).

Literature cited by the submitters: PubMed 16199547; PubMed 9973285; PubMed 11590124.